The following is an entry in ClinVar:

ClinVar aggregate classification (germline): Uncertain significance (1 of 4 stars; one submission).

Conditions:
Hereditary cancer-predisposing syndrome. Also called: Neoplastic Syndromes, Hereditary; Tumor predisposition; Hereditary neoplastic syndrome; Hereditary Cancer Syndrome. Identifiers: Orphanet 140162, MedGen C0027672, MeSH D009386, MONDO:0015356.

Submission:

Ambry Genetics
Classification: Uncertain significance for Hereditary cancer-predisposing syndrome. Last evaluated: 2024-02-28. Review status: criteria provided, single submitter. Criteria: Ambry Variant Classification Scheme 2023. Collection method: clinical testing. Allele origin: germline.
Comment: The p.L807I variant (also known as c.2419T>A), located in coding exon 15 of the ATM gene, results from a T to A substitution at nucleotide position 2419. The leucine at codon 807 is replaced by isoleucine, an amino acid with highly similar properties. This amino acid position is conserved. In addition, this alteration is predicted to be tolerated by in silico analysis. Based on the available evidence, the clinical significance of this alteration remains unclear.

NM_000051.4(ATM):c.2419T>A (p.Leu807Ile)

Gene: ATM (ATM serine/threonine kinase; plus strand). Cytogenetic location: 11q22.3.
Variant type: single nucleotide variant.
Coding change: c.2419T>A on transcript NM_000051.4 (MANE Select); coding-DNA position 2419, T replaced by A.
Protein change: p.Leu807Ile; replaces leucine 807 with isoleucine.
Molecular consequence: missense variant.
Genome position (GRCh38, 1-based): chr11:108,259,028, T>A. VCF-style: chr11-108259028-T-A. GRCh37 (hg19) VCF-style: chr11-108129755-T-A.
Other names: c.2419T>A, p.Leu807Ile (NM_001351834.2); short protein forms L807I.
Identifiers: ClinVar variation 3232403 (VCV003232403.1), dbSNP rs1555076667, ClinGen allele CA382541221.